The following is an entry in ClinVar:

ClinVar aggregate classification (germline): Uncertain significance. Review status: criteria provided, multiple submitters, no conflicts (2 of 4 stars). 3 submissions from 3 submitters: Uncertain significance (3). Last evaluated 2025-11-04.

Conditions:
Congenital muscular dystrophy due to integrin alpha-7 deficiency. Also called: MYOPATHY, CONGENITAL, DUE TO INTEGRIN ALPHA-7 DEFICIENCY; Congenital muscular dystrophy with integrin alpha-7 deficiency; Muscular dystrophy, congenital, due to ITGA7 deficiency. Identifiers: Orphanet 34520, MedGen C2750786, MONDO:0013177, OMIM 613204.

Allele frequency attached by ClinVar (database versions not stated): gnomAD below 0.00001 and 0.00003; TOPMed 0.00002; gnomAD exomes 0.00006 and 0.00013; ExAC 0.00012.
gnomAD v4.1: 94 of 1,614,064 alleles (0.0058%); highest among the groups gnomAD compares: South Asian, 0.099%; 3 homozygotes.

Submissions (3):

Labcorp Genetics (formerly Invitae), Labcorp
Classification: Uncertain significance for Congenital muscular dystrophy due to integrin alpha-7 deficiency. Last evaluated: 2025-11-04. Review status: criteria provided, single submitter. Criteria: Invitae Variant Classification Sherloc (09022015). Collection method: clinical testing. Allele origin: germline.
Comment: This sequence change replaces valine, which is neutral and non-polar, with methionine, which is neutral and non-polar, at codon 1004 of the ITGA7 protein (p.Val1004Met). This variant is present in population databases (rs776269261, gnomAD 0.09%). This variant has not been reported in the literature in individuals affected with ITGA7-related conditions. ClinVar contains an entry for this variant (Variation ID: 1021543). Invitae Evidence Modeling of protein sequence and biophysical properties (such as structural, functional, and spatial information, amino acid conservation, physicochemical variation, residue mobility, and thermodynamic stability) indicates that this missense variant is expected to disrupt ITGA7 protein function with a positive predictive value of 80%. In summary, the available evidence is currently insufficient to determine the role of this variant in disease. Therefore, it has been classified as a Variant of Uncertain Significance.

Ambry Genetics
Classification: Uncertain significance. Last evaluated: 2025-03-21. Review status: criteria provided, single submitter. Criteria: Ambry Variant Classification Scheme 2023. Collection method: clinical testing. Allele origin: germline.

Revvity Omics, Revvity
Classification: Uncertain significance for Congenital muscular dystrophy due to integrin alpha-7 deficiency. Last evaluated: 2020-06-23. Review status: criteria provided, single submitter. Criteria: ACMG Guidelines, 2015. Collection method: clinical testing. Allele origin: germline.

NM_002206.3(ITGA7):c.3010G>A (p.Val1004Met)

Gene: ITGA7 (integrin subunit alpha 7; minus strand). Cytogenetic location: 12q13.2.
Variant type: single nucleotide variant.
Coding change: c.3010G>A on transcript NM_002206.3 (MANE Select); coding-DNA position 3010, G replaced by A.
Protein change: p.Val1004Met; replaces valine 1004 with methionine.
Molecular consequence: missense variant.
Genome position (GRCh38, 1-based): chr12:55,688,249, C>T on the plus strand (G>A on the coding strand, the complement: ITGA7 is on the minus strand). VCF-style: chr12-55688249-C-T. GRCh37 (hg19) VCF-style: chr12-56082033-C-T.
Other names: c.3010G>A (NM_002206.2); c.3022G>A, p.Val1008Met (NM_001144996.2); c.2731G>A, p.Val911Met (NM_001144997.2); c.2683G>A, p.Val895Met (NM_001367993.1); c.1666G>A, p.Val556Met (NM_001367994.1); c.2992G>A, p.Val998Met (NM_001374465.1); c.3142G>A, p.Val1048Met (NM_001410977.1); c.3004G>A, p.Val1002Met (NM_001414029.1); and 6 more; short protein forms V1004M, V1008M, V556M, V895M, V911M, V998M, V1048M, V979M.
Identifiers: ClinVar variation 1021543 (VCV001021543.11), dbSNP rs776269261, ClinGen allele CA6615373.